The following is an entry in ClinVar:

NM_032833.5(PPP1R15B):c.413G>T (p.Ser138Ile)

Gene: PPP1R15B (protein phosphatase 1 regulatory subunit 15B; minus strand). Cytogenetic location: 1q32.1.
Variant type: single nucleotide variant.
Coding change: c.413G>T on transcript NM_032833.5 (MANE Select); coding-DNA position 413, G replaced by T.
Protein change: p.Ser138Ile; replaces serine 138 with isoleucine.
Molecular consequence: missense variant.
Genome position (GRCh38, 1-based): chr1:204,410,999, C>A on the plus strand (G>T on the coding strand, the complement: PPP1R15B is on the minus strand). VCF-style: chr1-204410999-C-A. GRCh37 (hg19) VCF-style: chr1-204380127-C-A.
Other names: short protein forms S138I.
Identifiers: ClinVar variation 721217 (VCV000721217.13), dbSNP rs145021449, ClinGen allele CA1346818.

ClinVar aggregate classification (germline): Benign/Likely benign. Review status: criteria provided, multiple submitters, no conflicts (2 of 4 stars). 3 submissions from 3 submitters: Benign (2); Likely benign (1). Last evaluated 2026-02-01.

Conditions:
PPP1R15B-related disorder. Also called: PPP1R15B-related condition.

Allele frequency attached by ClinVar (database versions not stated): ESP Exome Variant Server 0.00015; gnomAD 0.00076 and 0.00129; TOPMed 0.00121; ExAC 0.00202; gnomAD exomes 0.00205; 1000 Genomes Project 30x 0.00750; 1000 Genomes Project 0.00819.

Submissions (3):

Labcorp Genetics (formerly Invitae), Labcorp
Classification: Benign. Last evaluated: 2026-02-01. Review status: criteria provided, single submitter. Criteria: Invitae Variant Classification Sherloc (09022015). Collection method: clinical testing. Allele origin: germline.

PreventionGenetics, part of Exact Sciences
Classification: Likely benign for PPP1R15B-related condition. Last evaluated: 2025-11-02. Review status: criteria provided, single submitter. Criteria: ACMG Guidelines, 2015. Collection method: clinical testing. Allele origin: germline.
Comment: This variant is classified as likely benign based on ACMG/AMP sequence variant interpretation guidelines (Richards et al. 2015 PMID: 25741868, with internal and published modifications).

Genetic Services Laboratory, University of Chicago
Classification: Benign. Last evaluated: 2019-03-21. Review status: criteria provided, single submitter. Criteria: ACMG Guidelines, 2015. Collection method: clinical testing. Allele origin: germline. Affected: no.